The following is an entry in ClinVar:

ClinVar aggregate classification (germline): Uncertain significance (1 of 4 stars; one submission).

Submission:

Labcorp Genetics (formerly Invitae), Labcorp
Classification: Uncertain significance. Last evaluated: 2025-05-19. Review status: criteria provided, single submitter. Criteria: Invitae Variant Classification Sherloc (09022015). Collection method: clinical testing. Allele origin: germline.
Comment: This variant, c.1303_1305del, results in the deletion of 1 amino acid(s) of the BACH2 protein (p.Ser436del), but otherwise preserves the integrity of the reading frame. This variant is not present in population databases (gnomAD no frequency). This variant has not been reported in the literature in individuals affected with BACH2-related conditions. Experimental studies and prediction algorithms are not available or were not evaluated, and the functional significance of this variant is currently unknown. In summary, the available evidence is currently insufficient to determine the role of this variant in disease. Therefore, it has been classified as a Variant of Uncertain Significance.

NM_021813.4(BACH2):c.1300TCC[1] (p.Ser436del)

Gene: BACH2 (BACH transcriptional regulator 2; minus strand). Cytogenetic location: 6q15.
Variant type: Microsatellite.
Coding change: c.1300TCC[1] on transcript NM_021813.4 (MANE Select); one copy of the 3-base unit TCC starting at c.1300; the reference has two copies in a row; one copy, 3 bases deleted.
Protein change: p.Ser436del; deletes serine 436.
Molecular consequence: inframe deletion.
Genome position (GRCh38, 1-based): chr6:89,950,801-89,950,803, GGA deleted on the plus strand (TCC on the coding strand, the reverse complement: BACH2 is on the minus strand); deleting any 3 consecutive bases within chr6:89,950,801-89,950,807 gives the same sequence; the position shown is the placement nearest the transcript's 3' end. VCF-style (leftmost placement, unchanged base first): chr6-89950800-TGGA-T. GRCh37 (hg19) VCF-style: chr6-90660519-TGGA-T.
Other names: c.1300TCC[1], p.Ser436del (NM_001170794.2); short protein forms S436del.
Identifiers: ClinVar variation 4708188 (VCV004708188.1).